The following is an entry in ClinVar:

NM_004484.4(GPC3):c.491A>G (p.Asp164Gly)

Gene: GPC3 (glypican 3; minus strand). Cytogenetic location: Xq26.2.
Variant type: single nucleotide variant.
Coding change: c.491A>G on transcript NM_004484.4 (MANE Select); coding-DNA position 491, A replaced by G.
Protein change: p.Asp164Gly; replaces aspartic acid 164 with glycine.
Molecular consequence: missense variant.
Genome position (GRCh38, 1-based): chrX:133,754,023, T>C on the plus strand (A>G on the coding strand, the complement: GPC3 is on the minus strand). VCF-style: chrX-133754023-T-C. GRCh37 (hg19) VCF-style: chrX-132888050-T-C.
Other names: c.491A>G, p.Asp164Gly (NM_001164617.2); c.443A>G, p.Asp148Gly (NM_001164618.2); c.329A>G, p.Asp110Gly (NM_001164619.2); short protein forms D164G, D148G, D110G.
Identifiers: ClinVar variation 581482 (VCV000581482.11), dbSNP rs1569426363, ClinGen allele CA414706512.
Genomic context (GRCh38, chrX:133,754,023, plus strand): 5'-TTCATTAGCTGGGTATAGATGACTGGAAACAGGCTGTCAAACAATTCATTGACCATGTCA[T>C]CTACATTGATGTCAGAACCCAAGATGTAGAGAGACACATCTGTGAAAAATTCACCCACAA-3'
Protein context (NP_004475.1, residues 154-174): LYILGSDINV[Asp164Gly]DMVNELFDSL

ClinVar aggregate classification (germline): Uncertain significance (1 of 4 stars; one submission).

Conditions:
Wilms tumor 1 (WT1). Also called: Wilms tumor, somatic. Identifiers: Orphanet 654, MedGen CN033288, MONDO:0008679, OMIM 194070.

Allele frequency attached by ClinVar (database versions not stated): gnomAD exomes 0.00001.
gnomAD v4.1: 5 of 1,210,628 alleles (0.00041%); highest among the groups gnomAD compares: Non-Finnish European, 0.00056%; no homozygotes.

Submission:

Labcorp Genetics (formerly Invitae), Labcorp
Classification: Uncertain significance for Wilms tumor 1. Last evaluated: 2019-03-29. Review status: criteria provided, single submitter. Criteria: Invitae Variant Classification Sherloc (09022015). Collection method: clinical testing. Allele origin: germline.
Comment: This sequence change replaces aspartic acid with glycine at codon 164 of the GPC3 protein (p.Asp164Gly). The aspartic acid residue is moderately conserved and there is a moderate physicochemical difference between aspartic acid and glycine. In summary, the available evidence is currently insufficient to determine the role of this variant in disease. Therefore, it has been classified as a Variant of Uncertain Significance. Algorithms developed to predict the effect of sequence changes on RNA splicing suggest that this variant may create or strengthen a splice site, but this prediction has not been confirmed by published transcriptional studies. Algorithms developed to predict the effect of missense changes on protein structure and function do not agree on the potential impact of this missense change (SIFT: "Tolerated"; PolyPhen-2: "Possibly Damaging"; Align-GVGD: "Class C15"). This variant has not been reported in the literature in individuals with GPC3-related disease. This variant is not present in population databases (ExAC no frequency).